The following is an entry in ClinVar:

ClinVar aggregate classification (germline): Uncertain significance (1 of 4 stars; one submission).

gnomAD v4.1: 3 of 1,614,210 alleles (0.00019%); highest among the groups gnomAD compares: Admixed American, 0.0033%; no homozygotes.

Submission:

Labcorp Genetics (formerly Invitae), Labcorp
Classification: Uncertain significance. Last evaluated: 2022-12-09. Review status: criteria provided, single submitter. Criteria: Invitae Variant Classification Sherloc (09022015). Collection method: clinical testing. Allele origin: germline.
Comment: In summary, the available evidence is currently insufficient to determine the role of this variant in disease. Therefore, it has been classified as a Variant of Uncertain Significance. Algorithms developed to predict the effect of sequence changes on RNA splicing suggest that this variant may create or strengthen a splice site. Advanced modeling of protein sequence and biophysical properties (such as structural, functional, and spatial information, amino acid conservation, physicochemical variation, residue mobility, and thermodynamic stability) performed at Invitae indicates that this missense variant is not expected to disrupt PITPNM3 protein function. This variant has not been reported in the literature in individuals affected with PITPNM3-related conditions. This variant is present in population databases (no rsID available, gnomAD 0.006%). This sequence change replaces glutamine, which is neutral and polar, with histidine, which is basic and polar, at codon 798 of the PITPNM3 protein (p.Gln798His).

NM_031220.4(PITPNM3):c.2394G>T (p.Gln798His)

Gene: PITPNM3 (PITPNM family member 3; minus strand). Cytogenetic location: 17p13.2.
Variant type: single nucleotide variant.
Coding change: c.2394G>T on transcript NM_031220.4 (MANE Select); coding-DNA position 2394, G replaced by T.
Protein change: p.Gln798His; replaces glutamine 798 with histidine.
Molecular consequence: missense variant.
Genome position (GRCh38, 1-based): chr17:6,461,469, C>A on the plus strand (G>T on the coding strand, the complement: PITPNM3 is on the minus strand). VCF-style: chr17-6461469-C-A. GRCh37 (hg19) VCF-style: chr17-6364789-C-A.
Other names: c.2286G>T, p.Gln762His (NM_001165966.2); short protein forms Q798H, Q762H.
Identifiers: ClinVar variation 2119171 (VCV002119171.4), dbSNP rs1413883206, ClinGen allele CA397402043.